The following is an entry in ClinVar:

ClinVar aggregate classification (germline): Benign (1 of 4 stars; one submission).

Conditions:
Diabetes insipidus, nephrogenic, X-linked. Also called: Nephrogenic Diabetes Insipidus, Type I. Identifiers: Orphanet 223, MedGen C1563705, MONDO:0010581, OMIM 304800.

Allele frequency attached by ClinVar (database versions not stated): 1000 Genomes Project 30x 0.00062; gnomAD 0.00126 and 0.00135; TOPMed 0.00153; gnomAD exomes 0.00166 and 0.00170; ExAC 0.00365.
gnomAD v4.1: 684 of 440,060 alleles (0.16%); highest among the groups gnomAD compares: Middle Eastern, 0.51%; 4 homozygotes.

Submission:

Illumina Laboratory Services, Illumina
Classification: Benign for Diabetes insipidus, nephrogenic, X-linked. Last evaluated: 2018-01-12. Review status: criteria provided, single submitter. Criteria: ICSL Variant Classification Criteria 13 December 2019. Collection method: clinical testing. Allele origin: germline.
Comment: This variant was observed in the ICSL laboratory as part of a predisposition screen in an ostensibly healthy population. It had not been previously curated by ICSL or reported in the Human Gene Mutation Database (HGMD: prior to June 1st, 2018), and was therefore a candidate for classification through an automated scoring system. Utilizing variant allele frequency, disease prevalence and penetrance estimates, and inheritance mode, an automated score was calculated to assess if this variant is too frequent to cause the disease. Based on the score and internal cut-off values, a variant classified as benign is not then subjected to further curation. The score for this variant resulted in a classification of benign for this disease.

NM_000054.7(AVPR2):c.*320G>A

Gene: AVPR2 (arginine vasopressin receptor 2; plus strand). Cytogenetic location: Xq28.
Variant type: single nucleotide variant.
Coding change: c.*320G>A on transcript NM_000054.7 (MANE Select); 320 bases downstream of the stop codon, G replaced by A.
Molecular consequence: 3 prime UTR variant. On other transcripts: non-coding transcript variant (1).
Genome position (GRCh38, 1-based): chrX:153,907,048, G>A. VCF-style: chrX-153907048-G-A. GRCh37 (hg19) VCF-style: chrX-153172502-G-A.
Other names: c.*612G>A (NM_001146151.3).
Identifiers: ClinVar variation 913759 (VCV000913759.4), dbSNP rs782034775, ClinGen allele CA10555171.
Genomic context (GRCh38, chrX:153,907,048, plus strand): 5'-TGCAGCAGAGGCCTGAGGAGTGGCAGGAAAGAGGGAGCAGGTGCCCCCAGGTGAGACAGC[G>A]GTCCCAGGGGCCTGAAAAGGAAGGACCAGGCTGGGGCCAGGGGACCTTCCTGTCTCCGCC-3'